The following is an entry in ClinVar:

ClinVar aggregate classification (germline): Uncertain significance (1 of 4 stars; one submission).

Conditions:
Hereditary cancer-predisposing syndrome. Also called: Neoplastic Syndromes, Hereditary; Tumor predisposition; Hereditary Cancer Syndrome; Hereditary neoplastic syndrome. Identifiers: Orphanet 140162, MedGen C0027672, MeSH D009386, MONDO:0015356.

Submission:

Ambry Genetics
Classification: Uncertain significance for Hereditary cancer-predisposing syndrome. Last evaluated: 2025-12-30. Review status: criteria provided, single submitter. Criteria: Ambry Variant Classification Scheme 2023. Collection method: clinical testing. Allele origin: germline.
Comment: The c.4251_4262del12 variant (also known as p.D1421_E1424del) is located in coding exon 22 of the DICER1 gene. This variant results from an in-frame CGAGGAGGAGGA deletion at nucleotide positions 4251 to 4262. This results in the in-frame deletion of DEEE residues at codons 1421 to 1424. This amino acid region is well conserved in available vertebrate species. In addition, this variant is predicted to be neutral by in silico analysis (Choi Y et al. PLoS ONE. 2012; 7(10):e46688). Based on the available evidence, the clinical significance of this variant remains unclear.

NM_177438.3(DICER1):c.4251_4262del (p.Asp1421_Glu1424del)

Gene: DICER1 (dicer 1, ribonuclease III; minus strand). Cytogenetic location: 14q32.13.
Variant type: Deletion.
Coding change: c.4251_4262del on transcript NM_177438.3 (MANE Select); coding-DNA positions 4251 to 4262, 12 bases deleted (CGAGGAGGAGGA).
Protein change: p.Asp1421_Glu1424del.
Molecular consequence: non-coding transcript variant (on NR_172715.1). On other transcripts: inframe indel (1).
Genome position (GRCh38, 1-based): chr14:95,096,658-95,096,669, TCCTCCTCCTCG deleted on the plus strand (CGAGGAGGAGGA on the coding strand, the reverse complement: DICER1 is on the minus strand); deleting any 12 consecutive bases within chr14:95,096,658-95,096,670 gives the same sequence; the c. name uses the placement nearest the transcript's 3' end. VCF-style (leftmost placement, unchanged base first): chr14-95096657-ATCCTCCTCCTCG-A. GRCh37 (hg19) VCF-style: chr14-95562994-ATCCTCCTCCTCG-A.
Other names: c.3846_3857del, p.Asp1286_Glu1289del (NM_001395687.1, NM_001395688.1, NM_001395689.1 and 2 more transcripts); c.3684_3695del, p.Asp1232_Glu1235del (NM_001395691.1); c.4251_4262del, p.Asp1421_Glu1424del (NM_001395692.1, NM_001395693.1, NM_001395694.1 and 12 more transcripts); c.2568_2579del, p.Asp860_Glu863del (NM_001395697.1); c.3969_3980del, p.Asp1327_Glu1330del (NM_001395686.1); c.4251_4262del12 (NM_177438.2).
Identifiers: ClinVar variation 4843080 (VCV004843080.1).